The following is an entry in ClinVar:

NM_033380.3(COL4A5):c.1844G>A (p.Gly615Glu)

Gene: COL4A5 (collagen type IV alpha 5 chain; plus strand). Cytogenetic location: Xq22.3.
Variant type: single nucleotide variant.
Coding change: c.1844G>A on transcript NM_033380.3 (MANE Select); coding-DNA position 1844, G replaced by A.
Protein change: p.Gly615Glu; replaces glycine 615 with glutamic acid.
Molecular consequence: missense variant.
Genome position (GRCh38, 1-based): chrX:108,598,766, G>A. VCF-style: chrX-108598766-G-A. GRCh37 (hg19) VCF-style: chrX-107841996-G-A.
Other names: c.1844G>A, p.Gly615Glu (NM_000495.5); short protein forms G615E.
Identifiers: ClinVar variation 195859 (VCV000195859.9), dbSNP rs794727397, ClinGen allele CA275123.

ClinVar aggregate classification (germline): Pathogenic. Review status: criteria provided, multiple submitters, no conflicts (2 of 4 stars). 2 submissions from 2 submitters: Pathogenic (2). Last evaluated 2022-11-27.

Allele frequency attached by ClinVar (database versions not stated): gnomAD exomes below 0.00001.
gnomAD v4.1: 1 of 1,210,475 alleles (0.000083%); highest among the groups gnomAD compares: Non-Finnish European, 0.00011%; no homozygotes.

Submissions (2):

Labcorp Genetics (formerly Invitae), Labcorp
Classification: Pathogenic. Last evaluated: 2022-11-27. Review status: criteria provided, single submitter. Criteria: Invitae Variant Classification Sherloc (09022015). Collection method: clinical testing. Allele origin: germline.
Comment: This sequence change replaces glycine, which is neutral and non-polar, with glutamic acid, which is acidic and polar, at codon 615 of the COL4A5 protein (p.Gly615Glu). This variant is not present in population databases (gnomAD no frequency). This missense change has been observed in individual(s) with COL4A5-related conditions (PMID: 25307721). ClinVar contains an entry for this variant (Variation ID: 195859). Advanced modeling of protein sequence and biophysical properties (such as structural, functional, and spatial information, amino acid conservation, physicochemical variation, residue mobility, and thermodynamic stability) performed at Invitae indicates that this missense variant is expected to disrupt COL4A5 protein function. This variant disrupts the triple helix domain of COL4A5. Glycine residues within the Gly-Xaa-Yaa repeats of the triple helix domain are required for the structure and stability of fibrillar collagens (PMID: 7695699, 8218237, 19344236). In COL4A5, missense variants at these glycine residues are significantly enriched in individuals with disease (PMID: 23720012, 27627812) compared to the general population (ExAC). This variant disrupts the p.Gly615 amino acid residue in COL4A5. Other variant(s) that disrupt this residue have been observed in individuals with COL4A5-related conditions (PMID: 22921432, 25307721, 33209720), which suggests that this may be a clinically significant amino acid residue. For these reasons, this variant has been classified as Pathogenic.

Eurofins Ntd Llc (ga)
Classification: Pathogenic. Last evaluated: 2014-11-21. Review status: criteria provided, single submitter. Criteria: EGL Classification Definitions 2015. Collection method: clinical testing. Allele origin: germline. Observed: 1 variant allele, 1 heterozygote.

Literature cited by the submitters: PubMed 25307721 (cited by Labcorp Genetics (formerly Invitae), Labcorp and Eurofins Ntd Llc (ga)); PubMed 7695699 (cited by Labcorp Genetics (formerly Invitae), Labcorp); PubMed 8218237 (cited by Labcorp Genetics (formerly Invitae), Labcorp); PubMed 19344236 (cited by Labcorp Genetics (formerly Invitae), Labcorp); PubMed 23720012 (cited by Labcorp Genetics (formerly Invitae), Labcorp); PubMed 27627812 (cited by Labcorp Genetics (formerly Invitae), Labcorp); PubMed 22921432 (cited by Labcorp Genetics (formerly Invitae), Labcorp); PubMed 33209720 (cited by Labcorp Genetics (formerly Invitae), Labcorp).